The following is an entry in ClinVar:

ClinVar aggregate classification (germline): Pathogenic/Likely pathogenic. Review status: criteria provided, multiple submitters, no conflicts (2 of 4 stars). 2 submissions from 2 submitters: Pathogenic (1); Likely pathogenic (1). Last evaluated 2023-03-18.

Conditions:
LAMA2-related muscular dystrophy (LAMA2-RD). Also called: Laminin alpha 2-related dystrophy. Identifiers: MedGen C5679788, MONDO:0100228.
Merosin deficient congenital muscular dystrophy (MDC1A). Also called: Congenital Muscular Dystrophy Type 1A (MDC1A); Congenital merosin-deficient muscular dystrophy 1A. Identifiers: Orphanet 258, MedGen C1263858, MONDO:0011925, OMIM 607855.

Submissions (2):

Labcorp Genetics (formerly Invitae), Labcorp
Classification: Pathogenic for LAMA2-related muscular dystrophy. Last evaluated: 2023-03-18. Review status: criteria provided, single submitter. Criteria: Invitae Variant Classification Sherloc (09022015). Collection method: clinical testing. Allele origin: germline.
Comment: This variant is not present in population databases (gnomAD no frequency). For these reasons, this variant has been classified as Pathogenic. ClinVar contains an entry for this variant (Variation ID: 660619). This variant has not been reported in the literature in individuals affected with LAMA2-related conditions. This sequence change creates a premature translational stop signal (p.Gln576Leufs*20) in the LAMA2 gene. It is expected to result in an absent or disrupted protein product. Loss-of-function variants in LAMA2 are known to be pathogenic (PMID: 18700894, 32904964).

Baylor Genetics
Classification: Likely pathogenic for Merosin deficient congenital muscular dystrophy. Last evaluated: 2023-01-30. Review status: criteria provided, single submitter. Criteria: ACMG Guidelines, 2015. Collection method: clinical testing. Allele origin: unknown.

Literature cited by the submitters: PubMed 18700894 (cited by Labcorp Genetics (formerly Invitae), Labcorp); PubMed 32904964 (cited by Labcorp Genetics (formerly Invitae), Labcorp).

NM_000426.4(LAMA2):c.1727_1767del (p.Gln576fs)

Gene: LAMA2 (laminin subunit alpha 2; plus strand). Cytogenetic location: 6q22.33.
Variant type: Deletion.
Coding change: c.1727_1767del on transcript NM_000426.4 (MANE Select); coding-DNA positions 1727 to 1767, 41 bases deleted.
Protein change: p.Gln576fs; shifts the reading frame from glutamine 576.
Molecular consequence: frameshift variant.
Genome position (GRCh38, 1-based): chr6:129,192,798-129,192,838, 41 bases deleted; deleting any 41 consecutive bases within chr6:129,192,797-129,192,838 gives the same sequence; the c. name uses the placement nearest the transcript's 3' end. GRCh37 (hg19): chr6:129,513,943-129,513,983.
Other names: c.1727_1767del, p.Gln576fs (NM_001079823.2); short protein forms Q576fs.
Identifiers: ClinVar variation 660619 (VCV000660619.8), dbSNP rs1583219849, ClinGen allele CA915943660.